The following is an entry in ClinVar:

NM_003238.6(TGFB2):c.1118A>G (p.Glu373Gly)

Gene: TGFB2 (transforming growth factor beta 2; plus strand). Cytogenetic location: 1q41.
Variant type: single nucleotide variant.
Coding change: c.1118A>G on transcript NM_003238.6 (MANE Select); coding-DNA position 1118, A replaced by G.
Protein change: p.Glu373Gly; replaces glutamic acid 373 with glycine.
Molecular consequence: missense variant. On other transcripts: non-coding transcript variant (2).
Genome position (GRCh38, 1-based): chr1:218,441,235, A>G. VCF-style: chr1-218441235-A-G. GRCh37 (hg19) VCF-style: chr1-218614577-A-G.
Other names: c.1202A>G, p.Glu401Gly (NM_001135599.4); short protein forms E373G, E401G.
Identifiers: ClinVar variation 2094498 (VCV002094498.4), dbSNP rs2464889879, ClinGen allele CA344727823.

ClinVar aggregate classification (germline): Uncertain significance (1 of 4 stars; one submission).

Conditions:
Loeys-Dietz syndrome 4 (LDS4). Also called: TGFB2-Related Loeys-Dietz Syndrome; ANEURYSM, AORTIC AND CEREBRAL, WITH ARTERIAL TORTUOSITY AND SKELETAL MANIFESTATIONS. Identifiers: MedGen C3553762, MONDO:0013897, OMIM 614816.

Submission:

Labcorp Genetics (formerly Invitae), Labcorp
Classification: Uncertain significance for Loeys-Dietz syndrome 4. Last evaluated: 2022-03-20. Review status: criteria provided, single submitter. Criteria: Invitae Variant Classification Sherloc (09022015). Collection method: clinical testing. Allele origin: germline.
Comment: This sequence change replaces glutamic acid, which is acidic and polar, with glycine, which is neutral and non-polar, at codon 373 of the TGFB2 protein (p.Glu373Gly). This variant is not present in population databases (gnomAD no frequency). This variant has not been reported in the literature in individuals affected with TGFB2-related conditions. Advanced modeling of protein sequence and biophysical properties (such as structural, functional, and spatial information, amino acid conservation, physicochemical variation, residue mobility, and thermodynamic stability) performed at Invitae indicates that this missense variant is not expected to disrupt TGFB2 protein function. In summary, the available evidence is currently insufficient to determine the role of this variant in disease. Therefore, it has been classified as a Variant of Uncertain Significance.